The following is an entry in ClinVar:

NM_001042492.3(NF1):c.586+5G>T

Gene: NF1 (neurofibromin 1; plus strand). Cytogenetic location: 17q11.2.
Variant type: single nucleotide variant.
Coding change: c.586+5G>T on transcript NM_001042492.3 (MANE Select); 5 bases into the intron after coding-DNA position 586, G replaced by T.
Molecular consequence: intron variant.
Genome position (GRCh38, 1-based): chr17:31,170,002, G>T. VCF-style: chr17-31170002-G-T. GRCh37 (hg19) VCF-style: chr17-29497020-G-T.
Other names: c.586+5G>T (NM_000267.4, NM_001128147.3).
Identifiers: ClinVar variation 4857610 (VCV004857610.1).

ClinVar aggregate classification (germline): Pathogenic (1 of 4 stars; one submission).

Conditions:
Neurofibromatosis, type 1 (NF1). Also called: NEUROFIBROMATOSIS, TYPE I, SOMATIC; Peripheral type neurofibromatosis; Neurofibromatosis, type I; VON RECKLINGHAUSEN DISEASE. Identifiers: Orphanet 636, MedGen C0027831, MONDO:0018975, OMIM 162200. Disease mechanism: loss of function.

Submission:

Regional Center For Medical Genetics Timis, Louis Turcanu Emergency Hospital for Children Timisoara
Classification: Pathogenic for Neurofibromatosis, type 1. Review status: criteria provided, single submitter. Criteria: ACMG Guidelines, 2015. Collection method: clinical testing. Allele origin: unknown. Affected: yes.
Comment: The variant is absent from the population databases (gnomAD). In silico predictions indicate that this variant has a strong impact on the adjacent canonical donor splice site (SpliceAI-50bp, Delta score DL = 0.74). This event is associated with skipping of exon 5 from the final transcript, resulting in a reading frameshift and loss of function. Exon 5 harbors multiple clinically significant missense variants, and the genomic region displays moderately low tolerance to missense variation. At the same genomic position, at least one intronic variant classified as pathogenic has been reported (c.586+5G>A) in association with neurofibromatosis type 1, with in silico predictions comparable to those of the current variant (PP3, PS1). The variant has previously been reported in LOVD with uncertain/likely pathogenic significance (Variant #0000219808). The reported phenotype is consistent with the NF1 locus, which has a known molecular diagnostic rate exceeding 95%, near-complete disease penetrance, and autosomal dominant inheritance (PP4_Strong, PP1_Supporting). For these reasons, the variant was classified as pathogenic.